The following is an entry in ClinVar:

NM_000368.5(TSC1):c.1184C>T (p.Pro395Leu)

Gene: TSC1 (TSC complex subunit 1; minus strand). Cytogenetic location: 9q34.13.
Variant type: single nucleotide variant.
Coding change: c.1184C>T on transcript NM_000368.5 (MANE Select); coding-DNA position 1184, C replaced by T.
Protein change: p.Pro395Leu; replaces proline 395 with leucine.
Molecular consequence: missense variant.
Genome position (GRCh38, 1-based): chr9:132,910,650, G>A on the plus strand (C>T on the coding strand, the complement: TSC1 is on the minus strand). VCF-style: chr9-132910650-G-A. GRCh37 (hg19) VCF-style: chr9-135786037-G-A.
Other names: c.1181C>T, p.Pro394Leu (NM_001162426.2); c.1031C>T, p.Pro344Leu (NM_001162427.2); c.821C>T, p.Pro274Leu (NM_001362177.2); short protein forms P395L, P274L, P344L, P394L.
Identifiers: ClinVar variation 1045947 (VCV001045947.10), dbSNP rs1845904421, ClinGen allele CA375367057.

ClinVar aggregate classification (germline): Uncertain significance (1 of 4 stars; one submission).

Conditions:
Tuberous sclerosis 1 (TSC1). Identifiers: Orphanet 805, MedGen C1854465, MONDO:0008612, OMIM 191100.

Allele frequency attached by ClinVar (database versions not stated): gnomAD exomes below 0.00001.
gnomAD v4.1: 1 of 1,614,144 alleles (0.000062%); highest among the groups gnomAD compares: Non-Finnish European, 0.000085%; no homozygotes.

Submission:

Labcorp Genetics (formerly Invitae), Labcorp
Classification: Uncertain significance for Tuberous sclerosis 1. Last evaluated: 2021-12-22. Review status: criteria provided, single submitter. Criteria: Invitae Variant Classification Sherloc (09022015). Collection method: clinical testing. Allele origin: germline.
Comment: This variant is not present in population databases (gnomAD no frequency). This variant has not been reported in the literature in individuals affected with TSC1-related conditions. ClinVar contains an entry for this variant (Variation ID: 1045947). Algorithms developed to predict the effect of missense changes on protein structure and function are either unavailable or do not agree on the potential impact of this missense change (SIFT: "Deleterious"; PolyPhen-2: "Benign"; Align-GVGD: "Class C0"). In summary, the available evidence is currently insufficient to determine the role of this variant in disease. Therefore, it has been classified as a Variant of Uncertain Significance. This sequence change replaces proline, which is neutral and non-polar, with leucine, which is neutral and non-polar, at codon 395 of the TSC1 protein (p.Pro395Leu).